The following is an entry in ClinVar:

NM_004360.5(CDH1):c.2503T>C (p.Tyr835His)

Gene: CDH1 (cadherin 1; plus strand). Cytogenetic location: 16q22.1.
Variant type: single nucleotide variant.
Coding change: c.2503T>C on transcript NM_004360.5 (MANE Select); coding-DNA position 2503, T replaced by C.
Protein change: p.Tyr835His; replaces tyrosine 835 with histidine.
Molecular consequence: missense variant.
Genome position (GRCh38, 1-based): chr16:68,833,353, T>C. VCF-style: chr16-68833353-T-C. GRCh37 (hg19) VCF-style: chr16-68867256-T-C.
Other names: c.2320T>C, p.Tyr774His (NM_001317184.2); c.955T>C, p.Tyr319His (NM_001317185.2); c.538T>C, p.Tyr180His (NM_001317186.2); short protein forms Y319H, Y774H, Y835H, Y180H.
Identifiers: ClinVar variation 948358 (VCV000948358.10), dbSNP rs1961536179, ClinGen allele CA396472195.

ClinVar aggregate classification (germline): Uncertain significance (1 of 4 stars; one submission).

Conditions:
Hereditary diffuse gastric adenocarcinoma (HDGC). Also called: DIFFUSE GASTRIC AND LOBULAR BREAST CANCER SYNDROME. Identifiers: Orphanet 26106, MedGen C1708349, MONDO:0007648, OMIM 137215.

Submission:

Labcorp Genetics (formerly Invitae), Labcorp
Classification: Uncertain significance for Hereditary diffuse gastric adenocarcinoma. Last evaluated: 2019-05-10. Review status: criteria provided, single submitter. Criteria: Invitae Variant Classification Sherloc (09022015). Collection method: clinical testing. Allele origin: germline.
Comment: This sequence change replaces tyrosine with histidine at codon 835 of the CDH1 protein (p.Tyr835His). The tyrosine residue is highly conserved and there is a moderate physicochemical difference between tyrosine and histidine. This variant is not present in population databases (ExAC no frequency). This variant has not been reported in the literature in individuals with CDH1-related conditions. Algorithms developed to predict the effect of missense changes on protein structure and function are either unavailable or do not agree on the potential impact of this missense change (SIFT: "Deleterious"; PolyPhen-2: "Probably Damaging"; Align-GVGD: "Class C0"). In summary, the available evidence is currently insufficient to determine the role of this variant in disease. Therefore, it has been classified as a Variant of Uncertain Significance.